The following is an entry in ClinVar:

ClinVar aggregate classification (germline): Uncertain significance (1 of 4 stars; one submission).

Conditions:
Early-infantile DEE. Also called: Ohtahara syndrome; Early infantile epileptic encephalopathy; Early infantile epileptic encephalopathy with suppression bursts. Identifiers: Orphanet 1934, MedGen C0393706, MONDO:0800491.

Allele frequency attached by ClinVar (database versions not stated): ExAC 0.00001.
gnomAD v4.1: 7 of 1,613,814 alleles (0.00043%); highest among the groups gnomAD compares: Admixed American, 0.0033%; no homozygotes.

Submission:

Labcorp Genetics (formerly Invitae), Labcorp
Classification: Uncertain significance for Early-infantile DEE. Last evaluated: 2022-11-15. Review status: criteria provided, single submitter. Criteria: Invitae Variant Classification Sherloc (09022015). Collection method: clinical testing. Allele origin: germline.
Comment: This sequence change replaces alanine, which is neutral and non-polar, with threonine, which is neutral and polar, at codon 600 of the ARHGEF15 protein (p.Ala600Thr). This variant is present in population databases (rs777489210, gnomAD 0.006%). This variant has not been reported in the literature in individuals affected with ARHGEF15-related conditions. Algorithms developed to predict the effect of missense changes on protein structure and function are either unavailable or do not agree on the potential impact of this missense change (SIFT: "Deleterious"; PolyPhen-2: "Benign"; Align-GVGD: "Class C0"). In summary, the available evidence is currently insufficient to determine the role of this variant in disease. Therefore, it has been classified as a Variant of Uncertain Significance.

NM_173728.4(ARHGEF15):c.1798G>A (p.Ala600Thr)

Gene: ARHGEF15 (Rho guanine nucleotide exchange factor 15; plus strand). Cytogenetic location: 17p13.1.
Variant type: single nucleotide variant.
Coding change: c.1798G>A on transcript NM_173728.4 (MANE Select); coding-DNA position 1798, G replaced by A.
Protein change: p.Ala600Thr; replaces alanine 600 with threonine.
Molecular consequence: missense variant.
Genome position (GRCh38, 1-based): chr17:8,318,588, G>A. VCF-style: chr17-8318588-G-A. GRCh37 (hg19) VCF-style: chr17-8221906-G-A.
Other names: c.1798G>A, p.Ala600Thr (NM_025014.2); short protein forms A600T.
Identifiers: ClinVar variation 2878877 (VCV002878877.3), dbSNP rs777489210, ClinGen allele CA8375314.